The following is an entry in ClinVar:

ClinVar aggregate classification (germline): Uncertain significance (1 of 4 stars; one submission).

Allele frequency attached by ClinVar (database versions not stated): gnomAD exomes below 0.00001; ExAC 0.00001; gnomAD 0.00001; 1000 Genomes Project 30x 0.00021; 1000 Genomes Project 0.00026.
gnomAD v4.1: 2 of 1,210,191 alleles (0.00017%); highest among the groups gnomAD compares: South Asian, 0.0018%; no homozygotes.

Submission:

GeneDx
Classification: Uncertain significance. Last evaluated: 2025-08-06. Review status: criteria provided, single submitter. Criteria: GeneDx Variant Classification Process June 2021. Collection method: clinical testing. Allele origin: germline.
Comment: In silico analysis supports that this missense variant has a deleterious effect on protein structure/function; Has not been previously published as pathogenic or benign to our knowledge

NM_016120.4(RLIM):c.670A>G (p.Arg224Gly)

Gene: RLIM (ring finger protein, LIM domain interacting; minus strand). Cytogenetic location: Xq13.2.
Variant type: single nucleotide variant.
Coding change: c.670A>G on transcript NM_016120.4 (MANE Select); coding-DNA position 670, A replaced by G.
Protein change: p.Arg224Gly; replaces arginine 224 with glycine.
Molecular consequence: missense variant.
Genome position (GRCh38, 1-based): chrX:74,592,645, T>C on the plus strand (A>G on the coding strand, the complement: RLIM is on the minus strand). VCF-style: chrX-74592645-T-C. GRCh37 (hg19) VCF-style: chrX-73812480-T-C.
Other names: c.670A>G, p.Arg224Gly (NM_183353.3); short protein forms R224G.
Identifiers: ClinVar variation 2662351 (VCV002662351.2), dbSNP rs760794203, ClinGen allele CA10454694.
Genomic context (GRCh38, chrX:74,592,645, plus strand): 5'-GATGAGATCTTCGTGGAATTTCACTCATTGGATGCAGAGGTGACCTACTTCTTTCAGCTC[T>C]TGCTCTGGTTCTCCGATGGTCTGGGCTCCTGCTTCTTGCCCTCCTCTGACCTCTGGTAGG-3'
Protein context (NP_057204.2, residues 214-234): RSPDHRRTRA[Arg224Gly]AERSRSPLHP